The following is an entry in ClinVar:

ClinVar aggregate classification (germline): Uncertain significance. Review status: criteria provided, multiple submitters, no conflicts (2 of 4 stars). 4 submissions from 4 submitters: Uncertain significance (4). Last evaluated 2026-08-11.

Conditions:
Hereditary cancer-predisposing syndrome. Also called: Tumor predisposition; Hereditary neoplastic syndrome; Neoplastic Syndromes, Hereditary; Hereditary Cancer Syndrome. Identifiers: Orphanet 140162, MedGen C0027672, MeSH D009386, MONDO:0015356.
Basal cell carcinoma, susceptibility to, 1. Also called: BCC1. Identifiers: MedGen C2751544, MONDO:0011556, OMIM 605462.
Gorlin syndrome. Also called: Basal cell nevus syndrome; Nevoid Basal Cell Carcinoma Syndrome. Identifiers: Orphanet 377, MedGen C0004779, MONDO:0007187.

Allele frequency attached by ClinVar (database versions not stated): gnomAD exomes below 0.00001; gnomAD 0.00001; TOPMed 0.00001.
gnomAD v4.1: 5 of 1,614,122 alleles (0.00031%); highest among the groups gnomAD compares: Non-Finnish European, 0.00042%; no homozygotes.

Submissions (4):

Ambry Genetics
Classification: Uncertain significance for Hereditary cancer-predisposing syndrome. Last evaluated: 2026-08-11. Review status: criteria provided, single submitter. Criteria: Ambry Variant Classification Scheme 2023. Collection method: clinical testing. Allele origin: germline.
Comment: The p.Q400H variant (also known as c.1200G>T), located in coding exon 8 of the PTCH1 gene, results from a G to T substitution at nucleotide position 1200. The glutamine at codon 400 is replaced by histidine, an amino acid with highly similar properties. This amino acid position is highly conserved in available vertebrate species. In addition, this alteration is predicted to be deleterious by in silico analysis. Based on the available evidence, the clinical significance of this variant remains unclear.

Labcorp Genetics (formerly Invitae), Labcorp
Classification: Uncertain significance for Gorlin syndrome. Last evaluated: 2025-11-09. Review status: criteria provided, single submitter. Criteria: Invitae Variant Classification Sherloc (09022015). Collection method: clinical testing. Allele origin: germline.
Comment: This sequence change replaces glutamine, which is neutral and polar, with histidine, which is basic and polar, at codon 400 of the PTCH1 protein (p.Gln400His). This variant is present in population databases (no rsID available, gnomAD 0.0009%). This variant has not been reported in the literature in individuals affected with PTCH1-related conditions. ClinVar contains an entry for this variant (Variation ID: 854277). Invitae Evidence Modeling of protein sequence and biophysical properties (such as structural, functional, and spatial information, amino acid conservation, physicochemical variation, residue mobility, and thermodynamic stability) has been performed for this missense variant. However, the output from this modeling did not meet the statistical confidence thresholds required to predict the impact of this variant on PTCH1 protein function. In summary, the available evidence is currently insufficient to determine the role of this variant in disease. Therefore, it has been classified as a Variant of Uncertain Significance.

Baylor Genetics
Classification: Uncertain significance for Basal cell carcinoma, susceptibility to, 1. Last evaluated: 2024-02-16. Review status: criteria provided, single submitter. Criteria: ACMG Guidelines, 2015. Collection method: clinical testing. Allele origin: unknown.

GeneDx
Classification: Uncertain significance. Last evaluated: 2023-12-28. Review status: criteria provided, single submitter. Criteria: GeneDx Variant Classification Process June 2021. Collection method: clinical testing. Allele origin: germline. Affected: yes.
Comment: Not observed at significant frequency in large population cohorts (gnomAD); In silico analysis supports that this missense variant has a deleterious effect on protein structure/function; Has not been previously published as pathogenic or benign to our knowledge; This variant is associated with the following publications: (PMID: 8906794)

NM_000264.5(PTCH1):c.1200G>T (p.Gln400His)

Gene: PTCH1 (patched 1; minus strand). Cytogenetic location: 9q22.32.
Variant type: single nucleotide variant.
Coding change: c.1200G>T on transcript NM_000264.5 (MANE Select); coding-DNA position 1200, G replaced by T.
Protein change: p.Gln400His; replaces glutamine 400 with histidine.
Molecular consequence: missense variant. On other transcripts: non-coding transcript variant (1).
Genome position (GRCh38, 1-based): chr9:95,479,015, C>A on the plus strand (G>T on the coding strand, the complement: PTCH1 is on the minus strand). VCF-style: chr9-95479015-C-A. GRCh37 (hg19) VCF-style: chr9-98241297-C-A.
Other names: c.1002G>T, p.Gln334His (NM_001083602.3); c.1197G>T, p.Gln399His (NM_001083603.3); c.747G>T, p.Gln249His (NM_001083604.3, NM_001083605.3, NM_001083606.3 and 1 more transcripts); c.1200G>T, p.Gln400His (NM_001354918.2); short protein forms Q249H, Q334H, Q399H, Q400H.
Identifiers: ClinVar variation 854277 (VCV000854277.14), dbSNP rs1277111019, ClinGen allele CA374119237.
Genomic context (GRCh38, chr9:95,479,015, plus strand): 5'-TTGCATAACCAGCGAGTCTGCACGCCGATTCGAAGGTGGGTTTACCTCCACATATGTCCT[C>A]TGCCAGGCCTCCAGGATGGCTGCCGCTTTGTCCTCGTTCCAGTTGATGTGTGAGACATAC-3'
Protein context (NP_000255.2, residues 390-410): DKAAAILEAW[Gln400His]RTYVEVVHQS